The following is an entry in ClinVar:

ClinVar aggregate classification (germline): Uncertain significance (1 of 4 stars; one submission).

Conditions:
Charcot-Marie-Tooth disease type 2E (CMT2E). Also called: CHARCOT-MARIE-TOOTH DISEASE, AXONAL, TYPE 2E; CHARCOT-MARIE-TOOTH NEUROPATHY, TYPE 2E. Identifiers: Orphanet 99939, MedGen C1843225, MONDO:0011894, OMIM 607684.

Submission:

Labcorp Genetics (formerly Invitae), Labcorp
Classification: Uncertain significance for Charcot-Marie-Tooth disease type 2E. Last evaluated: 2025-03-30. Review status: criteria provided, single submitter. Criteria: Invitae Variant Classification Sherloc (09022015). Collection method: clinical testing. Allele origin: germline.
Comment: This sequence change replaces asparagine, which is neutral and polar, with lysine, which is basic and polar, at codon 326 of the NEFL protein (p.Asn326Lys). This variant is not present in population databases (gnomAD no frequency). This variant has not been reported in the literature in individuals affected with NEFL-related conditions. Invitae Evidence Modeling of protein sequence and biophysical properties (such as structural, functional, and spatial information, amino acid conservation, physicochemical variation, residue mobility, and thermodynamic stability) indicates that this missense variant is not expected to disrupt NEFL protein function with a negative predictive value of 80%. In summary, the available evidence is currently insufficient to determine the role of this variant in disease. Therefore, it has been classified as a Variant of Uncertain Significance.

NM_006158.5(NEFL):c.978T>G (p.Asn326Lys)

Gene: NEFL (neurofilament light chain; minus strand). Cytogenetic location: 8p21.2.
Variant type: single nucleotide variant.
Coding change: c.978T>G on transcript NM_006158.5 (MANE Select); coding-DNA position 978, T replaced by G.
Protein change: p.Asn326Lys; replaces asparagine 326 with lysine.
Molecular consequence: missense variant.
Genome position (GRCh38, 1-based): chr8:24,955,538, A>C on the plus strand (T>G on the coding strand, the complement: NEFL is on the minus strand). VCF-style: chr8-24955538-A-C. GRCh37 (hg19) VCF-style: chr8-24813052-A-C.
Other names: short protein forms N326K.
Identifiers: ClinVar variation 4745240 (VCV004745240.1).